The following is an entry in ClinVar:

NM_133259.4(LRPPRC):c.785del (p.Gly262fs)

Gene: LRPPRC (leucine rich pentatricopeptide repeat containing; minus strand). Cytogenetic location: 2p21.
Variant type: Deletion.
Coding change: c.785del on transcript NM_133259.4 (MANE Select); coding-DNA position 785, one base deleted (G; older notation c.785delG).
Protein change: p.Gly262fs; shifts the reading frame from glycine 262.
Molecular consequence: frameshift variant.
Genome position (GRCh38, 1-based): chr2:43,975,170, C deleted on the plus strand (G on the coding strand, the reverse complement: LRPPRC is on the minus strand); the first of 2 consecutive C bases (chr2:43,975,170-43,975,171); deleting either gives the same sequence. VCF-style (leftmost placement, unchanged base first): chr2-43975169-TC-T. GRCh37 (hg19) VCF-style: chr2-44202308-TC-T.
Other names: short protein forms G262fs.
Identifiers: ClinVar variation 2850704 (VCV002850704.3), dbSNP rs2466668674, ClinGen allele CA2739274355.

ClinVar aggregate classification (germline): Pathogenic (1 of 4 stars; one submission).

Submission:

Labcorp Genetics (formerly Invitae), Labcorp
Classification: Pathogenic. Last evaluated: 2023-03-29. Review status: criteria provided, single submitter. Criteria: Invitae Variant Classification Sherloc (09022015). Collection method: clinical testing. Allele origin: germline.
Comment: For these reasons, this variant has been classified as Pathogenic. This variant has not been reported in the literature in individuals affected with LRPPRC-related conditions. This variant is not present in population databases (gnomAD no frequency). This sequence change creates a premature translational stop signal (p.Gly262Glufs*13) in the LRPPRC gene. It is expected to result in an absent or disrupted protein product. Loss-of-function variants in LRPPRC are known to be pathogenic (PMID: 26510951).

Literature cited by the submitters: PubMed 26510951.